The following is an entry in ClinVar:

NM_001909.5(CTSD):c.74C>T (p.Pro25Leu)

Genes: PRADX (PRC2 and DDX5 associated lncRNA; plus strand), CTSD (cathepsin D; minus strand). Cytogenetic location: 11p15.5.
Variant type: single nucleotide variant.
Coding change: c.74C>T on transcript NM_001909.5 (MANE Select); coding-DNA position 74, C replaced by T.
Protein change: p.Pro25Leu; replaces proline 25 with leucine.
Molecular consequence: missense variant.
Genome position (GRCh38, 1-based): chr11:1,761,463, G>A on the plus strand (C>T on the coding strand, the complement: CTSD is on the minus strand). VCF-style: chr11-1761463-G-A. GRCh37 (hg19) VCF-style: chr11-1782693-G-A.
Other names: short protein forms P25L.
Identifiers: ClinVar variation 652296 (VCV000652296.5), dbSNP rs145852974, ClinGen allele CA5814299.

ClinVar aggregate classification (germline): Uncertain significance. Review status: criteria provided, multiple submitters, no conflicts (2 of 4 stars). 2 submissions from 2 submitters: Uncertain significance (2). Last evaluated 2024-10-07.

Conditions:
Neuronal ceroid lipofuscinosis. Also called: Neuronal Ceroid Lipofuscinoses. Identifiers: Orphanet 216, Orphanet 79263, MedGen C0027877, MONDO:0016295. Disease mechanism: loss of function.

Allele frequency attached by ClinVar (database versions not stated): ExAC 0.00001; gnomAD exomes 0.00001; TOPMed 0.00002; gnomAD 0.00003; ESP Exome Variant Server 0.00008.
gnomAD v4.1: 8 of 1,613,630 alleles (0.0005%); highest among the groups gnomAD compares: African/African-American, 0.0093%; no homozygotes.

Submissions (2):

Labcorp Genetics (formerly Invitae), Labcorp
Classification: Uncertain significance for Neuronal ceroid lipofuscinosis. Last evaluated: 2024-10-07. Review status: criteria provided, single submitter. Criteria: Invitae Variant Classification Sherloc (09022015). Collection method: clinical testing. Allele origin: germline.
Comment: This sequence change replaces proline, which is neutral and non-polar, with leucine, which is neutral and non-polar, at codon 25 of the CTSD protein (p.Pro25Leu). This variant is present in population databases (rs145852974, gnomAD 0.01%). This variant has not been reported in the literature in individuals affected with CTSD-related conditions. ClinVar contains an entry for this variant (Variation ID: 652296). An algorithm developed to predict the effect of missense changes on protein structure and function (PolyPhen-2) suggests that this variant is likely to be disruptive. In summary, the available evidence is currently insufficient to determine the role of this variant in disease. Therefore, it has been classified as a Variant of Uncertain Significance.

Blueprint Genetics
Classification: Uncertain significance. Last evaluated: 2022-10-07. Review status: criteria provided, single submitter. Criteria: ACMG Guidelines, 2015. Collection method: clinical testing. Allele origin: germline.